The following is an entry in ClinVar:

NM_000264.5(PTCH1):c.3005C>T (p.Thr1002Met)

Gene: PTCH1 (patched 1; minus strand). Cytogenetic location: 9q22.32.
Variant type: single nucleotide variant.
Coding change: c.3005C>T on transcript NM_000264.5 (MANE Select); coding-DNA position 3005, C replaced by T.
Protein change: p.Thr1002Met; replaces threonine 1002 with methionine.
Molecular consequence: missense variant. On other transcripts: non-coding transcript variant (1).
Genome position (GRCh38, 1-based): chr9:95,458,176, G>A on the plus strand (C>T on the coding strand, the complement: PTCH1 is on the minus strand). VCF-style: chr9-95458176-G-A. GRCh37 (hg19) VCF-style: chr9-98220458-G-A.
Other names: c.2807C>T, p.Thr936Met (NM_001083602.3); c.3002C>T, p.Thr1001Met (NM_001083603.3); c.2552C>T, p.Thr851Met (NM_001083604.3, NM_001083605.3, NM_001083606.3 and 1 more transcripts); c.2849C>T, p.Thr950Met (NM_001354918.2); short protein forms T936M, T1002M, T1001M, T950M, T851M.
Identifiers: ClinVar variation 409205 (VCV000409205.20), dbSNP rs769924767, ClinGen allele CA5138272.

ClinVar aggregate classification (germline): Conflicting classifications of pathogenicity. Review status: criteria provided, conflicting classifications (1 of 4 stars). 5 submissions from 5 submitters: Uncertain significance (1); Likely benign (4). Last evaluated 2026-09-23.

Conditions:
Hereditary cancer-predisposing syndrome. Also called: Neoplastic Syndromes, Hereditary; Tumor predisposition; Hereditary Cancer Syndrome; Hereditary neoplastic syndrome. Identifiers: Orphanet 140162, MedGen C0027672, MeSH D009386, MONDO:0015356.
Gorlin syndrome. Also called: Nevoid Basal Cell Carcinoma Syndrome; Basal cell nevus syndrome. Identifiers: Orphanet 377, MedGen C0004779, MONDO:0007187.
PTCH1-related disorder. Also called: PTCH1-related disorders; PTCH1-related condition.

Allele frequency attached by ClinVar (database versions not stated): ExAC 0.00002; gnomAD exomes 0.00002 and 0.00004; gnomAD 0.00003 and 0.00004; TOPMed 0.00003.
gnomAD v4.1: 55 of 1,614,056 alleles (0.0034%); highest among the groups gnomAD compares: Non-Finnish European, 0.0044%; no homozygotes.

Submissions (5):

PreventionGenetics, part of Exact Sciences
Classification: Likely benign for PTCH1-related condition. Last evaluated: 2026-09-23. Review status: criteria provided, single submitter. Criteria: ACMG Guidelines, 2015. Collection method: clinical testing. Allele origin: germline.
Comment: This variant is classified as likely benign based on ACMG/AMP sequence variant interpretation guidelines (Richards et al. 2015 PMID: 25741868, with internal and published modifications).

Labcorp Genetics (formerly Invitae), Labcorp
Classification: Likely benign for Gorlin syndrome. Last evaluated: 2026-02-03. Review status: criteria provided, single submitter. Criteria: Invitae Variant Classification Sherloc (09022015). Collection method: clinical testing. Allele origin: germline.

Women's Health and Genetics/Laboratory Corporation of America, LabCorp
Classification: Likely benign. Last evaluated: 2025-09-23. Review status: criteria provided, single submitter. Criteria: LabCorp Variant Classification Summary - May 2015. Collection method: clinical testing. Allele origin: germline.
Comment: Variant summary: PTCH1 c.3005C>T (p.Thr1002Met) results in a non-conservative amino acid change in the encoded protein sequence. Algorithms developed to predict the effect of missense changes on protein structure and function are either unavailable or do not agree on the potential impact of this missense change. The variant allele was found at a frequency of 3.4e-05 in 1614056 control chromosomes, predominantly at a frequency of 4.4e-05 within the Non-Finnish European subpopulation in the gnomAD database. The observed variant frequency within Non-Finnish European control individuals in the gnomAD database exceeds the estimated maximal expected allele frequency for disease-causing variants in PTCH1. To our knowledge, no occurrence of c.3005C>T in individuals affected with PTCH1-related conditions and no experimental evidence demonstrating its impact on protein function have been reported. ClinVar contains an entry for this variant (Variation ID: 409205). Based on the evidence outlined above, the variant was classified as likely benign.

GeneDx
Classification: Uncertain significance. Last evaluated: 2025-02-21. Review status: criteria provided, single submitter. Criteria: GeneDx Variant Classification Process June 2021. Collection method: clinical testing. Allele origin: germline. Affected: yes.
Comment: Not observed at significant frequency in large population cohorts (gnomAD); In silico analysis indicates that this missense variant does not alter protein structure/function; Has not been previously published as pathogenic or benign to our knowledge; This variant is associated with the following publications: (PMID: 8906794)

Ambry Genetics
Classification: Likely benign for Hereditary cancer-predisposing syndrome. Last evaluated: 2016-04-20. Review status: criteria provided, single submitter. Criteria: Ambry Variant Classification Scheme 2023. Collection method: clinical testing. Allele origin: germline.